The following is an entry in ClinVar:

ClinVar aggregate classification (germline): Uncertain significance (1 of 4 stars; one submission).

Allele frequency attached by ClinVar (database versions not stated): gnomAD 0.00001; TOPMed 0.00001.
gnomAD v4.1: 11 of 1,614,040 alleles (0.00068%); highest among the groups gnomAD compares: East Asian, 0.025%; no homozygotes.

Submission:

Labcorp Genetics (formerly Invitae), Labcorp
Classification: Uncertain significance. Last evaluated: 2021-08-30. Review status: criteria provided, single submitter. Criteria: Invitae Variant Classification Sherloc (09022015). Collection method: clinical testing. Allele origin: germline.
Comment: This sequence change replaces histidine with glutamine at codon 1489 of the DUOX2 protein (p.His1489Gln). The histidine residue is highly conserved and there is a small physicochemical difference between histidine and glutamine. This variant is not present in population databases (ExAC no frequency). This variant has not been reported in the literature in individuals affected with DUOX2-related conditions. Algorithms developed to predict the effect of missense changes on protein structure and function are either unavailable or do not agree on the potential impact of this missense change (SIFT: "Deleterious"; PolyPhen-2: "Probably Damaging"; Align-GVGD: "Class C0"). Algorithms developed to predict the effect of sequence changes on RNA splicing suggest that this variant may create or strengthen a splice site. In summary, the available evidence is currently insufficient to determine the role of this variant in disease. Therefore, it has been classified as a Variant of Uncertain Significance.

NM_001363711.2(DUOX2):c.4467C>G (p.His1489Gln)

Gene: DUOX2 (dual oxidase 2; minus strand). Cytogenetic location: 15q21.1.
Variant type: single nucleotide variant.
Coding change: c.4467C>G on transcript NM_001363711.2 (MANE Select); coding-DNA position 4467, C replaced by G.
Protein change: p.His1489Gln; replaces histidine 1489 with glutamine.
Molecular consequence: missense variant.
Genome position (GRCh38, 1-based): chr15:45,094,620, G>C on the plus strand (C>G on the coding strand, the complement: DUOX2 is on the minus strand). VCF-style: chr15-45094620-G-C. GRCh37 (hg19) VCF-style: chr15-45386818-G-C.
Other names: c.4467C>G, p.His1489Gln (NM_014080.5); short protein forms H1489Q.
Identifiers: ClinVar variation 1517340 (VCV001517340.5), dbSNP rs1410260660, ClinGen allele CA392249899.